The following is an entry in ClinVar:

NM_001042492.3(NF1):c.7262_7266del (p.Asn2421fs)

Gene: NF1 (neurofibromin 1; plus strand). Cytogenetic location: 17q11.2.
Variant type: Deletion.
Coding change: c.7262_7266del on transcript NM_001042492.3 (MANE Select); coding-DNA positions 7262 to 7266, 5 bases deleted (ACAAA; older notation c.7262_7266delACAAA).
Protein change: p.Asn2421fs; shifts the reading frame from asparagine 2421.
Molecular consequence: frameshift variant.
Genome position (GRCh38, 1-based): chr17:31,349,192-31,349,196, ACAAA deleted; deleting any 5 consecutive bases within chr17:31,349,191-31,349,196 gives the same sequence; the c. name uses the placement nearest the transcript's 3' end. VCF-style (leftmost placement, unchanged base first): chr17-31349190-TAACAA-T. GRCh37 (hg19) VCF-style: chr17-29676208-TAACAA-T.
Other names: c.7199_7203delACAAA, p.Asn2400Thrfs (NM_000267.4); short protein forms N2400fs, N2421fs.
Identifiers: ClinVar variation 848332 (VCV000848332.1), dbSNP rs2070076088, ClinGen allele CA916080664.
Genomic context (GRCh38, chr17:31,349,190, plus strand): 5'-TCCTTCACCTGCTATTGTTGCAAGAACAGTCAGAATTTTACATACACTACTAACTCTGGT[TAACAA>T]ACACAGAAATTGTGACAAATTTGAAGTGAATACACAGAGCGTGGCCTACTTAGCAGGTAA-3'

ClinVar aggregate classification (germline): Pathogenic (1 of 4 stars; one submission).

Conditions:
Neurofibromatosis, type 1 (NF1). Also called: Neurofibromatosis, type I; VON RECKLINGHAUSEN DISEASE; Peripheral type neurofibromatosis; NEUROFIBROMATOSIS, TYPE I, SOMATIC. Identifiers: Orphanet 636, MedGen C0027831, MONDO:0018975, OMIM 162200. Disease mechanism: loss of function.

Submission:

Labcorp Genetics (formerly Invitae), Labcorp
Classification: Pathogenic for Neurofibromatosis, type 1. Last evaluated: 2019-12-12. Review status: criteria provided, single submitter. Criteria: Invitae Variant Classification Sherloc (09022015). Collection method: clinical testing. Allele origin: germline.
Comment: This sequence change creates a premature translational stop signal (p.Asn2400Thrfs*5) in the NF1 gene. It is expected to result in an absent or disrupted protein product. This variant is not present in population databases (ExAC no frequency). This variant has not been reported in the literature in individuals with NF1-related conditions. Loss-of-function variants in NF1 are known to be pathogenic (PMID: 10712197, 23913538). For these reasons, this variant has been classified as Pathogenic.